The following is an entry in ClinVar:

NM_031885.5(BBS2):c.268G>T (p.Asp90Tyr)

Gene: BBS2 (Bardet-Biedl syndrome 2; minus strand). Cytogenetic location: 16q13.
Variant type: single nucleotide variant.
Coding change: c.268G>T on transcript NM_031885.5 (MANE Select); coding-DNA position 268, G replaced by T.
Protein change: p.Asp90Tyr; replaces aspartic acid 90 with tyrosine.
Molecular consequence: missense variant. On other transcripts: non-coding transcript variant (5).
Genome position (GRCh38, 1-based): chr16:56,514,530, C>A on the plus strand (G>T on the coding strand, the complement: BBS2 is on the minus strand). VCF-style: chr16-56514530-C-A. GRCh37 (hg19) VCF-style: chr16-56548442-C-A.
Other names: c.268G>T, p.Asp90Tyr (NM_001377456.1); short protein forms D90Y.
Identifiers: ClinVar variation 4992063 (VCV004992063.1).

ClinVar aggregate classification (germline): Uncertain significance (1 of 4 stars; one submission).

Conditions:
BBS2-related disorder. Also called: BBS2-related disorders; BBS2-related condition. Identifiers: MedGen CN239228.

Submission:

PreventionGenetics, part of Exact Sciences
Classification: Uncertain significance for BBS2-related condition. Last evaluated: 2026-03-19. Review status: criteria provided, single submitter. Criteria: ACMG Guidelines, 2015. Collection method: clinical testing. Allele origin: germline.
Comment: The BBS2 c.268G>T variant is predicted to result in the amino acid substitution p.Asp90Tyr. To our knowledge, this variant has not been reported in the literature or in a large population database (gnomAD), indicating this variant is rare. At this time, the clinical significance of this variant is uncertain due to the absence of conclusive functional and genetic evidence.